The following is an entry in ClinVar:

ClinVar aggregate classification (germline): Uncertain significance (1 of 4 stars; one submission).

Submission:

Labcorp Genetics (formerly Invitae), Labcorp
Classification: Uncertain significance. Last evaluated: 2023-06-22. Review status: criteria provided, single submitter. Criteria: Invitae Variant Classification Sherloc (09022015). Collection method: clinical testing. Allele origin: germline.
Comment: This sequence change affects codon 1160 of the BRWD3 mRNA. It is a 'silent' change, meaning that it does not change the encoded amino acid sequence of the BRWD3 protein. It affects a nucleotide within the consensus splice site. This variant is present in population databases (no rsID available, gnomAD 0.001%), including at least one homozygous and/or hemizygous individual. This variant has not been reported in the literature in individuals affected with BRWD3-related conditions. Algorithms developed to predict the effect of sequence changes on RNA splicing suggest that this variant is not likely to affect RNA splicing. In summary, the available evidence is currently insufficient to determine the role of this variant in disease. Therefore, it has been classified as a Variant of Uncertain Significance.

NM_153252.5(BRWD3):c.3480G>A (p.Leu1160=)

Gene: BRWD3 (bromodomain and WD repeat domain containing 3; minus strand). Cytogenetic location: Xq21.1.
Variant type: single nucleotide variant.
Coding change: c.3480G>A on transcript NM_153252.5 (MANE Select); coding-DNA position 3480, G replaced by A.
Protein change: p.Leu1160=; no amino-acid change (leucine 1160 retained).
Molecular consequence: synonymous variant.
Genome position (GRCh38, 1-based): chrX:80,691,824, C>T on the plus strand (G>A on the coding strand, the complement: BRWD3 is on the minus strand). VCF-style: chrX-80691824-C-T. GRCh37 (hg19) VCF-style: chrX-79947323-C-T.
Identifiers: ClinVar variation 2724941 (VCV002724941.3), dbSNP rs1474487666, ClinGen allele CA517071742.